The following is an entry in ClinVar:

NM_001369.3(DNAH5):c.6305G>A (p.Arg2102His)

Gene: DNAH5 (dynein axonemal heavy chain 5; minus strand). Cytogenetic location: 5p15.2.
Variant type: single nucleotide variant.
Coding change: c.6305G>A on transcript NM_001369.3 (MANE Select); coding-DNA position 6305, G replaced by A.
Protein change: p.Arg2102His; replaces arginine 2102 with histidine.
Molecular consequence: missense variant.
Genome position (GRCh38, 1-based): chr5:13,829,649, C>T on the plus strand (G>A on the coding strand, the complement: DNAH5 is on the minus strand). VCF-style: chr5-13829649-C-T. GRCh37 (hg19) VCF-style: chr5-13829758-C-T.
Other names: short protein forms R2102H.
Identifiers: ClinVar variation 228598 (VCV000228598.7), dbSNP rs876657782, ClinGen allele CA10576648.
Genomic context (GRCh38, chr5:13,829,649, plus strand): 5'-CAACTAGCCAACTTCACCCTTATGATAATCTGACGGTCAGGCACCATCATGGCCACTGAG[C>T]GGAAATTAATCTTCAAGTTTTCAGGGAGTTCCTGCCGTCCGGCATAGCCAGGATTCTAAA-3'
Protein context (NP_001360.1, residues 2092-2112): ELPENLKINF[Arg2102His]SVAMMVPDRQ

ClinVar aggregate classification (germline): Uncertain significance. Review status: criteria provided, multiple submitters, no conflicts (2 of 4 stars). 3 submissions from 3 submitters: Uncertain significance (2). 1 of the submissions does not count toward it. Last evaluated 2016-02-24.

Conditions:
Primary ciliary dyskinesia. Also called: Ciliary dyskinesia. Identifiers: Orphanet 244, MedGen C0008780, MONDO:0016575, HP:0012265.
Primary ciliary dyskinesia 3. Identifiers: Orphanet 244, MedGen C1837618, MONDO:0012085, OMIM 608644.

Allele frequency attached by ClinVar (database versions not stated): gnomAD 0.00001; gnomAD exomes 0.00001.
gnomAD v4.1: 4 of 1,614,010 alleles (0.00025%); highest among the groups gnomAD compares: East Asian, 0.0022%; no homozygotes.

Submissions (3):

Laboratory for Molecular Medicine, Mass General Brigham Personalized Medicine
Classification: Uncertain significance. Last evaluated: 2016-02-24. Review status: criteria provided, single submitter. Criteria: LMM Criteria. Collection method: clinical testing. Allele origin: germline. Observed: 1 variant allele.
Comment: The p.Arg2102His variant in DNAH5 has not been previously reported in individual s with pulmonary disease or in large population studies. Computational predictio n tools and conservation analysis suggest that the p.Arg2102His variant may impa ct the protein, though this information is not predictive enough to determine pa thogenicity. In summary, the clinical significance of the p.Arg2102His variant i s uncertain.

Juno Genomics, Hangzhou Juno Genomics, Inc
Classification: Uncertain significance for Primary ciliary dyskinesia 3. Review status: criteria provided, single submitter. Criteria: ACMG Guidelines, 2015. Collection method: clinical testing. Allele origin: germline. Affected: yes.
Comment: Absent from controls (or at extremely low frequency if recessive) in Genome Aggregation Database, Exome Sequencing Project, 1000 Genomes Project, or Exome Aggregation Consortium.;Patient's phenotype or family history is highly specific for a disease with a single genetic etiology.;For recessive disorders, detected in trans with a pathogenic variant.

Natera, Inc.
Classification: Uncertain significance for Primary ciliary dyskinesia. Last evaluated: 2020-10-05. Review status: no assertion criteria provided. Collection method: clinical testing. Allele origin: germline. Not counted in ClinVar's aggregate classification.